The following is an entry in ClinVar:

ClinVar aggregate classification (germline): Likely benign (0 of 4 stars; one submission).

Conditions:
CELF4-related disorder. Also called: CELF4-related condition.

Allele frequency attached by ClinVar (database versions not stated): gnomAD exomes 0.00001; TOPMed 0.00002.
gnomAD v4.1: 9 of 1,611,198 alleles (0.00056%); highest among the groups gnomAD compares: African/African-American, 0.0013%; no homozygotes.

Submission:

PreventionGenetics, part of Exact Sciences
Classification: Likely benign for CELF4-related condition. Last evaluated: 2019-05-01. Review status: no assertion criteria provided. Collection method: clinical testing. Allele origin: germline.
Comment: This variant is classified as likely benign based on ACMG/AMP sequence variant interpretation guidelines (Richards et al. 2015 PMID: 25741868, with internal and published modifications).

NM_020180.4(CELF4):c.930A>G (p.Ala310=)

Gene: CELF4 (CUGBP Elav-like family member 4; minus strand). Cytogenetic location: 18q12.2.
Variant type: single nucleotide variant.
Coding change: c.930A>G on transcript NM_020180.4 (MANE Select); coding-DNA position 930, A replaced by G.
Protein change: p.Ala310=; no amino-acid change (alanine 310 retained).
Molecular consequence: synonymous variant. On other transcripts: non-coding transcript variant (11).
Genome position (GRCh38, 1-based): chr18:37,273,035, T>C on the plus strand (A>G on the coding strand, the complement: CELF4 is on the minus strand). VCF-style: chr18-37273035-T-C. GRCh37 (hg19) VCF-style: chr18-34852998-T-C.
Other names: c.927A>G, p.Ala309= (NM_001025087.2, NM_001330603.2, NM_001353696.2 and 12 more transcripts); c.924A>G, p.Ala308= (NM_001025088.2, NM_001353702.2, NM_001353712.2 and 2 more transcripts); c.900A>G, p.Ala300= (NM_001025089.2, NM_001353700.2, NM_001353703.2 and 6 more transcripts); c.897A>G, p.Ala299= (NM_001353695.2, NM_001353697.2, NM_001353699.2 and 14 more transcripts); c.894A>G, p.Ala298= (NM_001353705.2, NM_001353706.2, NM_001353711.2 and 5 more transcripts); c.930A>G, p.Ala310= (NM_001353708.2, NM_001353724.2, NM_001353731.2 and 6 more transcripts); c.558A>G, p.Ala186= (NM_001353756.2, NM_001353761.2); c.531A>G, p.Ala177= (NM_001353757.2, NM_001353760.2); and 1 more.
Identifiers: ClinVar variation 3038143 (VCV003038143.2), dbSNP rs1368349813, ClinGen allele CA503664398.